The following is an entry in ClinVar:

NM_001375380.1(EBF3):c.910G>A (p.Glu304Lys)

Genes: EBF3 (EBF transcription factor 3; minus strand), EBF3-AS1 (EBF3 antisense RNA 1; plus strand). Cytogenetic location: 10q26.3.
Variant type: single nucleotide variant.
Coding change: c.910G>A on transcript NM_001375380.1 (MANE Select); coding-DNA position 910, G replaced by A.
Protein change: p.Glu304Lys; replaces glutamic acid 304 with lysine.
Molecular consequence: missense variant.
Genome position (GRCh38, 1-based): chr10:129,867,784, C>T on the plus strand (G>A on the coding strand, the complement: EBF3 is on the minus strand). VCF-style: chr10-129867784-C-T. GRCh37 (hg19) VCF-style: chr10-131666048-C-T.
Other names: c.883G>A, p.Glu295Lys (NM_001005463.3, NM_001375390.1, NM_001375392.1); c.910G>A, p.Glu304Lys (NM_001375379.1, NM_001375389.1, NM_001375391.1); short protein forms E295K, E304K.
Identifiers: ClinVar variation 4888025 (VCV004888025.1).

ClinVar aggregate classification (germline): Uncertain significance (1 of 4 stars; one submission).

gnomAD v4.1: 1 of 1,585,696 alleles (0.000063%); highest among the groups gnomAD compares: Admixed American, 0.0017%; no homozygotes.

Submission:

GeneDx
Classification: Uncertain significance. Last evaluated: 2026-01-22. Review status: criteria provided, single submitter. Criteria: GeneDx Variant Classification Process June 2021. Collection method: clinical testing. Allele origin: germline.
Comment: Not observed at significant frequency in large population cohorts (gnomAD); In silico analysis supports that this missense variant has a deleterious effect on protein structure/function; Has not been previously published as pathogenic or benign to our knowledge